The following is an entry in ClinVar:

NM_023110.3(FGFR1):c.212T>C (p.Val71Ala)

Gene: FGFR1 (fibroblast growth factor receptor 1; minus strand). Cytogenetic location: 8p11.23.
Variant type: single nucleotide variant.
Coding change: c.212T>C on transcript NM_023110.3 (MANE Select); coding-DNA position 212, T replaced by C.
Protein change: p.Val71Ala; replaces valine 71 with alanine.
Molecular consequence: missense variant. On other transcripts: intron variant (5).
Genome position (GRCh38, 1-based): chr8:38,429,828, A>G on the plus strand (T>C on the coding strand, the complement: FGFR1 is on the minus strand). VCF-style: chr8-38429828-A-G. GRCh37 (hg19) VCF-style: chr8-38287346-A-G.
Other names: c.212T>C, p.Val71Ala (NM_001174063.2, NM_001174065.2, NM_001354367.2 and 3 more transcripts); c.188T>C, p.Val63Ala (NM_001174064.2); c.311T>C, p.Val104Ala (NM_001174067.2); c.92-1393T>C (NM_001354368.2, NM_001354370.2, NM_023106.3 and 2 more transcripts); short protein forms V104A, V63A, V71A.
Identifiers: ClinVar variation 3368233 (VCV003368233.1).

ClinVar aggregate classification (germline): Uncertain significance (1 of 4 stars; one submission).

Submission:

GeneDx
Classification: Uncertain significance. Last evaluated: 2024-01-25. Review status: criteria provided, single submitter. Criteria: GeneDx Variant Classification Process June 2021. Collection method: clinical testing. Allele origin: germline. Affected: yes.
Comment: Not observed at significant frequency in large population cohorts (gnomAD); In silico analysis supports that this missense variant does not alter protein structure/function; Has not been previously published as pathogenic or benign to our knowledge